The following is an entry in ClinVar:

ClinVar aggregate classification (germline): Uncertain significance. Review status: criteria provided, multiple submitters, no conflicts (2 of 4 stars). 2 submissions from 2 submitters: Uncertain significance (2). Last evaluated 2024-12-12.

Conditions:
Microcephaly-intellectual disability-sensorineural hearing loss-epilepsy-abnormal muscle tone syndrome (NEDHSB). Also called: NEURODEVELOPMENTAL DISORDER WITH HEARING LOSS, SEIZURES, AND BRAIN ABNORMALITIES. Identifiers: Orphanet 457351, MedGen C4225276, MONDO:0014698, OMIM 616577.

Allele frequency attached by ClinVar (database versions not stated): gnomAD exomes below 0.00001; gnomAD 0.00001; TOPMed 0.00001.
gnomAD v4.1: 3 of 1,577,790 alleles (0.00019%); highest among the groups gnomAD compares: Admixed American, 0.0057%; no homozygotes.

Submissions (2):

Labcorp Genetics (formerly Invitae), Labcorp
Classification: Uncertain significance for Microcephaly-intellectual disability-sensorineural hearing loss-epilepsy-abnormal muscle tone syndrome. Last evaluated: 2024-12-12. Review status: criteria provided, single submitter. Criteria: Invitae Variant Classification Sherloc (09022015). Collection method: clinical testing. Allele origin: germline.
Comment: This sequence change replaces alanine, which is neutral and non-polar, with threonine, which is neutral and polar, at codon 386 of the SPATA5 protein (p.Ala386Thr). This variant is not present in population databases (gnomAD no frequency). This variant has not been reported in the literature in individuals affected with SPATA5-related conditions. ClinVar contains an entry for this variant (Variation ID: 965296). Invitae Evidence Modeling of protein sequence and biophysical properties (such as structural, functional, and spatial information, amino acid conservation, physicochemical variation, residue mobility, and thermodynamic stability) indicates that this missense variant is not expected to disrupt SPATA5 protein function with a negative predictive value of 95%. In summary, the available evidence is currently insufficient to determine the role of this variant in disease. Therefore, it has been classified as a Variant of Uncertain Significance.

GeneDx
Classification: Uncertain significance. Last evaluated: 2020-01-20. Review status: criteria provided, single submitter. Criteria: GeneDx Variant Classification Process June 2021. Collection method: clinical testing. Allele origin: germline. Affected: yes.
Comment: Not observed in large population cohorts (Lek et al., 2016); In silico analysis, which includes protein predictors and evolutionary conservation, supports that this variant does not alter protein structure/function; Has not been previously published as pathogenic or benign to our knowledge

NM_145207.3(AFG2A):c.1156G>A (p.Ala386Thr)

Gene: AFG2A (AAA ATPase AFG2A; plus strand). Cytogenetic location: 4q28.1.
Variant type: single nucleotide variant.
Coding change: c.1156G>A on transcript NM_145207.3 (MANE Select); coding-DNA position 1156, G replaced by A.
Protein change: p.Ala386Thr; replaces alanine 386 with threonine.
Molecular consequence: missense variant.
Genome position (GRCh38, 1-based): chr4:122,935,722, G>A. VCF-style: chr4-122935722-G-A. GRCh37 (hg19) VCF-style: chr4-123856877-G-A.
Other names: c.1153G>A, p.Ala385Thr (NM_001317799.2, NM_001345856.2); short protein forms A385T, A386T.
Identifiers: ClinVar variation 965296 (VCV000965296.7), dbSNP rs1729040562, ClinGen allele CA358103593.